The following is an entry in ClinVar:

ClinVar aggregate classification (germline): Benign (1 of 4 stars; one submission).

Allele frequency attached by ClinVar (database versions not stated): gnomAD 0.01973 and 0.02085; TOPMed 0.02152; 1000 Genomes Project 30x 0.02518; 1000 Genomes Project 0.02649.
gnomAD v4.1: 2,201 of 112,068 alleles (2%); highest among the groups gnomAD compares: African/African-American, 6.2%; 51 homozygotes.

Submission:

GeneDx
Classification: Benign. Last evaluated: 2018-06-14. Review status: criteria provided, single submitter. Criteria: GeneDx Variant Classification (06012015). Collection method: clinical testing. Allele origin: germline. Affected: yes.
Comment: This variant is considered likely benign or benign based on one or more of the following criteria: it is a conservative change, it occurs at a poorly conserved position in the protein, it is predicted to be benign by multiple in silico algorithms, and/or has population frequency not consistent with disease.

NM_002641.4(PIGA):c.1188+159C>T

Gene: PIGA (phosphatidylinositol glycan anchor biosynthesis class A; minus strand). Cytogenetic location: Xp22.2.
Variant type: single nucleotide variant.
Coding change: c.1188+159C>T on transcript NM_002641.4 (MANE Select); 159 bases into the intron after coding-DNA position 1188, C replaced by T.
Molecular consequence: intron variant.
Genome position (GRCh38, 1-based): chrX:15,324,506, G>A on the plus strand (C>T on the coding strand, the complement: PIGA is on the minus strand). VCF-style: chrX-15324506-G-A. GRCh37 (hg19) VCF-style: chrX-15342628-G-A.
Other names: c.486+159C>T (NM_020473.3).
Identifiers: ClinVar variation 677527 (VCV000677527.1), dbSNP rs7049772, ClinGen allele CA326944455.